The following is an entry in ClinVar:

ClinVar aggregate classification (germline): Uncertain significance (1 of 4 stars; one submission).

Conditions:
Xanthinuria type II. Also called: Xanthine dehydrogenase and aldehyde oxidase combined deficiency of; XDH and AOX dual deficiency. Identifiers: Orphanet 3467, Orphanet 93602, MedGen C1863688, MONDO:0011346, OMIM 603592.

Allele frequency attached by ClinVar (database versions not stated): ExAC 0.00002; ESP Exome Variant Server 0.00008.
gnomAD v4.1: 13 of 1,614,050 alleles (0.00081%); highest among the groups gnomAD compares: Admixed American, 0.0033%; no homozygotes.

Submission:

Labcorp Genetics (formerly Invitae), Labcorp
Classification: Uncertain significance for Xanthinuria type II. Last evaluated: 2024-05-22. Review status: criteria provided, single submitter. Criteria: Invitae Variant Classification Sherloc (09022015). Collection method: clinical testing. Allele origin: germline.
Comment: This sequence change replaces valine, which is neutral and non-polar, with leucine, which is neutral and non-polar, at codon 97 of the MOCOS protein (p.Val97Leu). This variant is present in population databases (rs150451100, gnomAD 0.006%). This variant has not been reported in the literature in individuals affected with MOCOS-related conditions. ClinVar contains an entry for this variant (Variation ID: 2160062). Advanced modeling of protein sequence and biophysical properties (such as structural, functional, and spatial information, amino acid conservation, physicochemical variation, residue mobility, and thermodynamic stability) performed at Invitae indicates that this missense variant is not expected to disrupt MOCOS protein function with a negative predictive value of 80%. In summary, the available evidence is currently insufficient to determine the role of this variant in disease. Therefore, it has been classified as a Variant of Uncertain Significance.

NM_017947.4(MOCOS):c.289G>T (p.Val97Leu)

Gene: MOCOS (molybdenum cofactor sulfurase; plus strand). Cytogenetic location: 18q12.2.
Variant type: single nucleotide variant.
Coding change: c.289G>T on transcript NM_017947.4 (MANE Select); coding-DNA position 289, G replaced by T.
Protein change: p.Val97Leu; replaces valine 97 with leucine.
Molecular consequence: missense variant.
Genome position (GRCh38, 1-based): chr18:36,198,746, G>T. VCF-style: chr18-36198746-G-T. GRCh37 (hg19) VCF-style: chr18-33778709-G-T.
Other names: short protein forms V97L.
Identifiers: ClinVar variation 2160062 (VCV002160062.4), dbSNP rs150451100, ClinGen allele CA8940375.